The following is an entry in ClinVar:

NM_001378615.1(CC2D2A):c.551G>C (p.Gly184Ala)

Genes: CC2D2A (coiled-coil and C2 domain containing 2A; plus strand), FBXL5 (F-box and leucine rich repeat protein 5; minus strand). Cytogenetic location: 4p15.32.
Variant type: single nucleotide variant.
Coding change: c.551G>C on transcript NM_001378615.1 (MANE Select); coding-DNA position 551, G replaced by C.
Protein change: p.Gly184Ala; replaces glycine 184 with alanine.
Molecular consequence: missense variant.
Genome position (GRCh38, 1-based): chr4:15,511,257, G>C. VCF-style: chr4-15511257-G-C. GRCh37 (hg19) VCF-style: chr4-15512880-G-C.
Other names: c.551G>C, p.Gly184Ala (NM_001080522.2); c.404G>C, p.Gly135Ala (NM_001378617.1); short protein forms G135A, G184A.
Identifiers: ClinVar variation 1809944 (VCV001809944.5), dbSNP rs369902469, ClinGen allele CA2863440.
Genomic context (GRCh38, chr4:15,511,257, plus strand): 5'-CATTACAGCTTATAAATGGGAAATTGCGATTGCTCCTTGCTTTTCGTTAGGTTCCACCTG[G>C]CTTCCCTTCTGCAGAAGAGGCCTATAACTTCTTTACTTTCAACTTTGATCCCGAACCAGA-3'
Protein context (NP_001365544.1, residues 174-194): KIKPKPQVPP[Gly184Ala]FPSAEEAYNF

ClinVar aggregate classification (germline): Conflicting classifications of pathogenicity. Review status: criteria provided, conflicting classifications (1 of 4 stars). 3 submissions from 3 submitters: Uncertain significance (2); Likely benign (1). Last evaluated 2026-01-06.

Conditions:
Joubert syndrome. Also called: Familial aplasia of the vermis; JOUBERT-BOLTSHAUSER SYNDROME. Identifiers: Orphanet 475, MedGen C5979921, MONDO:0018772.
Meckel-Gruber syndrome. Also called: Dysencephalia splachnocystica; DYSENCEPHALIA SPLANCHNOCYSTICA; GRUBER SYNDROME. Identifiers: Orphanet 564, MedGen C0265215, MONDO:0018921.
Inborn genetic diseases. Identifiers: MedGen C0950123, MeSH D030342.

Allele frequency attached by ClinVar (database versions not stated): ESP Exome Variant Server 0.00025.
gnomAD v4.1: 28 of 1,599,396 alleles (0.0018%); highest among the groups gnomAD compares: African/African-American, 0.0013%; no homozygotes.

Submissions (3):

Labcorp Genetics (formerly Invitae), Labcorp
Classification: Likely benign for Joubert syndrome; Meckel-Gruber syndrome. Last evaluated: 2026-01-06. Review status: criteria provided, single submitter. Criteria: Invitae Variant Classification Sherloc (09022015). Collection method: clinical testing. Allele origin: germline.

Ambry Genetics
Classification: Uncertain significance for Inborn genetic diseases. Last evaluated: 2023-09-22. Review status: criteria provided, single submitter. Criteria: Ambry Variant Classification Scheme 2023. Collection method: clinical testing. Allele origin: germline.

GeneDx
Classification: Uncertain significance. Last evaluated: 2022-06-29. Review status: criteria provided, single submitter. Criteria: GeneDx Variant Classification Process June 2021. Collection method: clinical testing. Allele origin: germline. Affected: yes.
Comment: In silico analysis supports that this missense variant has a deleterious effect on protein structure/function; Has not been previously published as pathogenic or benign to our knowledge